The following is an entry in ClinVar:

ClinVar aggregate classification (germline): Conflicting classifications of pathogenicity. Review status: criteria provided, conflicting classifications (1 of 4 stars). 8 submissions from 8 submitters: Uncertain significance (4); Likely benign (2). 2 of the submissions do not count toward it. Last evaluated 2026-02-04.

Conditions:
CLRN1-related disorder. Also called: CLRN1-related condition.
Retinal dystrophy. Also called: Inherited retinal dystrophy. Identifiers: Orphanet 71862, MedGen C0854723, MeSH D058499, MONDO:0019118, HP:0000556.
Usher syndrome type 3A (USH3A). Also called: USHER SYNDROME, TYPE IIIA. Identifiers: MedGen C5779850, MONDO:0010170, OMIM 276902.
Usher syndrome type 3. Also called: Usher Syndrome, Type III. Identifiers: Orphanet 231183, MedGen C1568248, MONDO:0016485.

Allele frequency attached by ClinVar (database versions not stated): gnomAD 0.00005 and 0.00013; TOPMed 0.00007; gnomAD exomes 0.00016 and 0.00020; ESP Exome Variant Server 0.00023; ExAC 0.00027; 1000 Genomes Project 30x 0.00047; 1000 Genomes Project 0.00060.
gnomAD v4.1: 248 of 1,614,172 alleles (0.015%); highest among the groups gnomAD compares: East Asian, 0.45%; no homozygotes.

Submissions (8):

Labcorp Genetics (formerly Invitae), Labcorp
Classification: Likely benign. Last evaluated: 2026-02-04. Review status: criteria provided, single submitter. Criteria: Invitae Variant Classification Sherloc (09022015). Collection method: clinical testing. Allele origin: germline.

PreventionGenetics, part of Exact Sciences
Classification: Likely benign for CLRN1-related condition. Last evaluated: 2025-09-24. Review status: criteria provided, single submitter. Criteria: ACMG Guidelines, 2015. Collection method: clinical testing. Allele origin: germline.
Comment: This variant is classified as likely benign based on ACMG/AMP sequence variant interpretation guidelines (Richards et al. 2015 PMID: 25741868, with internal and published modifications).

GeneDx
Classification: Uncertain significance. Last evaluated: 2025-06-30. Review status: criteria provided, single submitter. Criteria: GeneDx Variant Classification Process June 2021. Collection method: clinical testing. Allele origin: germline. Affected: yes.
Comment: In silico analysis supports that this missense variant has a deleterious effect on protein structure/function; Has not been previously published as pathogenic or benign to our knowledge

Blueprint Genetics
Classification: Uncertain significance. Last evaluated: 2024-07-12. Review status: criteria provided, single submitter. Criteria: ACMG Guidelines, 2015. Collection method: clinical testing. Allele origin: germline.

Dept Of Ophthalmology, Nagoya University
Classification: Uncertain significance for Retinal dystrophy. Last evaluated: 2023-10-01. Review status: criteria provided, single submitter. Criteria: Submitter's publication. Collection method: research. Allele origin: germline. Affected: yes.

Illumina Laboratory Services, Illumina
Classification: Uncertain significance for Usher syndrome type 3A. Last evaluated: 2018-01-13. Review status: criteria provided, single submitter. Criteria: ICSL Variant Classification Criteria 13 December 2019. Collection method: clinical testing. Allele origin: germline.

Natera, Inc.
Classification: Uncertain significance for Usher syndrome type 3A. Last evaluated: 2019-12-24. Review status: no assertion criteria provided. Collection method: clinical testing. Allele origin: germline. Not counted in ClinVar's aggregate classification.

Institute of Human Genetics, Univ. Regensburg, Univ. Regensburg
Classification: Uncertain significance for Retinal dystrophy. Last evaluated: 2017-01-01. Review status: no assertion criteria provided. Criteria: ACMG Guidelines, 2015. Collection method: clinical testing. Allele origin: germline. Affected: yes. Not counted in ClinVar's aggregate classification.

NM_174878.3(CLRN1):c.20A>T (p.Lys7Ile)

Genes: CLRN1-AS1 (CLRN1 antisense RNA 1; plus strand), CLRN1 (clarin 1; minus strand). Cytogenetic location: 3q25.1.
Variant type: single nucleotide variant.
Coding change: c.20A>T on transcript NM_174878.3 (MANE Select); coding-DNA position 20, A replaced by T.
Protein change: p.Lys7Ile; replaces lysine 7 with isoleucine.
Molecular consequence: missense variant. On other transcripts: non-coding transcript variant (2).
Genome position (GRCh38, 1-based): chr3:150,972,689, T>A on the plus strand (A>T on the coding strand, the complement: CLRN1 is on the minus strand). VCF-style: chr3-150972689-T-A. GRCh37 (hg19) VCF-style: chr3-150690476-T-A.
Other names: c.20A>T, p.Lys7Ile (NM_001195794.1, NM_001256819.2); short protein forms K7I.
Identifiers: ClinVar variation 730216 (VCV000730216.21), dbSNP rs3796241, ClinGen allele CA2666226.